The following is an entry in ClinVar:

NM_000396.4(CTSK):c.162G>C (p.Leu54=)

Gene: CTSK (cathepsin K; minus strand). Cytogenetic location: 1q21.3.
Variant type: single nucleotide variant.
Coding change: c.162G>C on transcript NM_000396.4 (MANE Select); coding-DNA position 162, G replaced by C.
Protein change: p.Leu54=; no amino-acid change (leucine 54 retained).
Molecular consequence: synonymous variant.
Genome position (GRCh38, 1-based): chr1:150,806,183, C>G on the plus strand (G>C on the coding strand, the complement: CTSK is on the minus strand). VCF-style: chr1-150806183-C-G. GRCh37 (hg19) VCF-style: chr1-150778659-C-G.
Identifiers: ClinVar variation 2639164 (VCV002639164.24), dbSNP rs2525178674, ClinGen allele CA420701412.
Genomic context (GRCh38, chr1:150,806,183, plus strand): 5'-AGCCAGTTCATATGTATGGACACCAAGAGAAGCCTCAAGGTTATGGATGGAAATATACTT[C>G]AGGTTTTTTTCCCAAATTAAACGCCGAGAGATTTCATCCACCTAAACAAAGCATAGTCAG-3'
Protein context (NP_000387.1, residues 44-64): ISRRLIWEKN[Leu54=]KYISIHNLEA

ClinVar aggregate classification (germline): Uncertain significance (1 of 4 stars; one submission).

Submission:

CeGaT Center for Human Genetics Tuebingen
Classification: Uncertain significance. Last evaluated: 2022-08-01. Review status: criteria provided, single submitter. Criteria: CeGaT Center For Human Genetics Tuebingen Variant Classification Criteria Version 2. Collection method: clinical testing. Allele origin: germline. Affected: yes. Observed: 1 variant allele.
Comment: CTSK: PM2:Supporting, BP4